The following is an entry in ClinVar:

ClinVar aggregate classification (germline): Uncertain significance (1 of 4 stars; one submission).

Conditions:
Hereditary cancer-predisposing syndrome. Also called: Neoplastic Syndromes, Hereditary; Tumor predisposition; Hereditary Cancer Syndrome; Hereditary neoplastic syndrome. Identifiers: Orphanet 140162, MedGen C0027672, MeSH D009386, MONDO:0015356.

Submission:

Ambry Genetics
Classification: Uncertain significance for Hereditary cancer-predisposing syndrome. Last evaluated: 2020-03-25. Review status: criteria provided, single submitter. Criteria: Ambry Variant Classification Scheme 2023. Collection method: clinical testing. Allele origin: germline.
Comment: The p.D675N variant (also known as c.2023G>A), located in coding exon 13 of the RAD50 gene, results from a G to A substitution at nucleotide position 2023. The aspartic acid at codon 675 is replaced by asparagine, an amino acid with highly similar properties. This amino acid position is not well conserved in available vertebrate species. In addition, this alteration is predicted to be tolerated by in silico analysis. Since supporting evidence is limited at this time, the clinical significance of this alteration remains unclear.

NM_005732.4(RAD50):c.2023G>A (p.Asp675Asn)

Gene: RAD50 (RAD50 double strand break repair protein; plus strand). Cytogenetic location: 5q31.1.
Variant type: single nucleotide variant.
Coding change: c.2023G>A on transcript NM_005732.4 (MANE Select); coding-DNA position 2023, G replaced by A.
Protein change: p.Asp675Asn; replaces aspartic acid 675 with asparagine.
Molecular consequence: missense variant.
Genome position (GRCh38, 1-based): chr5:132,595,626, G>A. VCF-style: chr5-132595626-G-A. GRCh37 (hg19) VCF-style: chr5-131931318-G-A.
Other names: short protein forms D675N.
Identifiers: ClinVar variation 1784607 (VCV001784607.2), dbSNP rs2479651821, ClinGen allele CA360949410.